The following is an entry in ClinVar:

NM_005535.3(IL12RB1):c.1984-1G>A

Gene: IL12RB1 (interleukin 12 receptor subunit beta 1; minus strand). Cytogenetic location: 19p13.11.
Variant type: single nucleotide variant.
Coding change: c.1984-1G>A on transcript NM_005535.3 (MANE Select); the canonical splice acceptor site of the intron before coding-DNA position 1984, G replaced by A.
Molecular consequence: splice acceptor variant.
Genome position (GRCh38, 1-based): chr19:18,059,614, C>T on the plus strand (G>A on the coding strand, the complement: IL12RB1 is on the minus strand). VCF-style: chr19-18059614-C-T. GRCh37 (hg19) VCF-style: chr19-18170424-C-T.
Other names: c.2104-1G>A (NM_001290024.2); c.1971-1G>A (NM_001290023.2); c.1992-1G>A (NM_001440425.1); c.2005-1G>A (NM_001440424.1).
Identifiers: ClinVar variation 944835 (VCV000944835.7), dbSNP rs933645266, ClinGen allele CA306158400.
Genomic context (GRCh38, chr19:18,059,614, plus strand): 5'-TGTGTGTGCTACGTAGCCTCGGGCGAGTCACTCACCCTCTCTGAGCCTCAACGATCACAT[C>T]TGTAAAGTACAACAGTCATGGTTCCTTTCAGGGGGTGGTTGTAGGGATTTGGTAGGGAAT-3'

ClinVar aggregate classification (germline): Uncertain significance (1 of 4 stars; one submission).

Conditions:
Mendelian susceptibility to mycobacterial diseases due to complete IL12RB1 deficiency. Also called: IL12RB1 DEFICIENCY; Immunodeficiency 30. Identifiers: Orphanet 319552, MedGen C4013949, MONDO:0013955, OMIM 614891.

Allele frequency attached by ClinVar (database versions not stated): gnomAD exomes below 0.00001; TOPMed below 0.00001.
gnomAD v4.1: 1 of 780,628 alleles (0.00013%); highest among the groups gnomAD compares: Non-Finnish European, 0.00024%; no homozygotes.

Submission:

Labcorp Genetics (formerly Invitae), Labcorp
Classification: Uncertain significance for Mendelian susceptibility to mycobacterial diseases due to complete IL12RB1 deficiency. Last evaluated: 2019-06-29. Review status: criteria provided, single submitter. Criteria: Invitae Variant Classification Sherloc (09022015). Collection method: clinical testing. Allele origin: germline.
Comment: In summary, the available evidence is currently insufficient to determine the role of this variant in disease. Therefore, it has been classified as a Variant of Uncertain Significance. Nucleotide substitutions within the consensus splice site are a relatively common cause of aberrant splicing (PMID: 17576681, 9536098). Algorithms developed to predict the effect of sequence changes on RNA splicing suggest that this variant may disrupt the consensus splice site, but this prediction has not been confirmed by published transcriptional studies. This variant has not been reported in the literature in individuals with IL12RB1-related conditions. This variant is not present in population databases (ExAC no frequency). This sequence change affects an acceptor splice site in the last intron (intron 16) of the IL12RB1 gene. While this is not anticipated to result in nonsense mediated decay, it likely alters RNA splicing and results in a disrupted protein product.

Literature cited by the submitters: PubMed 17576681; PubMed 9536098.